The following is an entry in ClinVar:

ClinVar aggregate classification (germline): Pathogenic. Review status: criteria provided, multiple submitters, no conflicts (2 of 4 stars). 2 submissions from 2 submitters: Pathogenic (2). Last evaluated 2024-10-03.

Conditions:
Neurofibromatosis, type 1 (NF1). Also called: Neurofibromatosis, type I; VON RECKLINGHAUSEN DISEASE; NEUROFIBROMATOSIS, TYPE I, SOMATIC; Peripheral type neurofibromatosis. Identifiers: Orphanet 636, MedGen C0027831, MONDO:0018975, OMIM 162200. Disease mechanism: loss of function.

Submissions (2):

Quest Diagnostics Nichols Institute San Juan Capistrano
Classification: Pathogenic. Last evaluated: 2024-10-03. Review status: criteria provided, single submitter. Criteria: Quest Diagnostics criteria. Collection method: clinical testing. Allele origin: unknown.
Comment: The NF1 c.5197dup (p.Ser1733Phefs*3) variant alters the translational reading frame of the NF1 mRNA and causes the premature termination of NF1 protein synthesis. This variant has not been reported in individuals with NF1-related conditions in the published literature. This variant has not been reported in large, multi-ethnic general populations (Genome Aggregation Database). Based on the available information, this variant is classified as pathogenic.

Juno Genomics, Hangzhou Juno Genomics, Inc
Classification: Pathogenic for Neurofibromatosis, type 1. Review status: criteria provided, single submitter. Criteria: ACMG Guidelines, 2015. Collection method: clinical testing. Allele origin: germline. Affected: yes.
Comment: Null variant in a gene where loss of function (LOF) is a known mechanism of disease.;Absent from controls (or at extremely low frequency if recessive) in Genome Aggregation Database, Exome Sequencing Project, 1000 Genomes Project, or Exome Aggregation Consortium.;Patient's phenotype or family history is highly specific for a disease with a single genetic etiology.

NM_001042492.3(NF1):c.5260dup (p.Ser1754fs)

Gene: NF1 (neurofibromin 1; plus strand). Cytogenetic location: 17q11.2.
Variant type: Duplication.
Coding change: c.5260dup on transcript NM_001042492.3 (MANE Select); coding-DNA position 5260, one base duplicated (T; older notation c.5260dupT).
Protein change: p.Ser1754fs; shifts the reading frame from serine 1754.
Molecular consequence: frameshift variant.
Genome position (GRCh38, 1-based): chr17:31,326,244, T duplicated; the last of 3 consecutive T bases (chr17:31,326,242-31,326,244); duplicating any one gives the same sequence. VCF-style (leftmost placement, unchanged base first): chr17-31326241-G-GT. GRCh37 (hg19) VCF-style: chr17-29653259-G-GT.
Other names: c.5197dup, p.Ser1733Phefs (NM_000267.4); short protein forms S1733fs, S1754fs.
Identifiers: ClinVar variation 3381863 (VCV003381863.3).
Genomic context (GRCh38, chr17:31,326,241, plus strand): 5'-TTAGAAGAGGACCTGAAGGTATTCCACAATGCTCTCAAGCTAGCTCACAAAGACACCAAA[G>GT]TTTCTATTAAAGTAAGTTCCAGTCTGTGTTTTGTAAACGATTCATTGCTTTTCTTGACTA-3'